The following is an entry in ClinVar:

NM_001190274.2(FBXO11):c.427T>G (p.Ser143Ala)

Gene: FBXO11 (F-box protein 11; minus strand). Cytogenetic location: 2p16.3.
Variant type: single nucleotide variant.
Coding change: c.427T>G on transcript NM_001190274.2 (MANE Select); coding-DNA position 427, T replaced by G.
Protein change: p.Ser143Ala; replaces serine 143 with alanine.
Molecular consequence: missense variant.
Genome position (GRCh38, 1-based): chr2:47,839,434, A>C on the plus strand (T>G on the coding strand, the complement: FBXO11 is on the minus strand). VCF-style: chr2-47839434-A-C. GRCh37 (hg19) VCF-style: chr2-48066573-A-C.
Other names: c.175T>G, p.Ser59Ala (NM_001374325.1, NM_025133.4); short protein forms S143A, S59A.
Identifiers: ClinVar variation 1312073 (VCV001312073.9), dbSNP rs1284695050, ClinGen allele CA346813338.

ClinVar aggregate classification (germline): Conflicting classifications of pathogenicity. Review status: criteria provided, conflicting classifications (1 of 4 stars). 2 submissions from 2 submitters: Uncertain significance (1); Benign (1). Last evaluated 2023-05-23.

Submissions (2):

Labcorp Genetics (formerly Invitae), Labcorp
Classification: Benign. Last evaluated: 2023-05-23. Review status: criteria provided, single submitter. Criteria: Invitae Variant Classification Sherloc (09022015). Collection method: clinical testing. Allele origin: germline.

GeneDx
Classification: Uncertain significance. Last evaluated: 2019-09-16. Review status: criteria provided, single submitter. Criteria: GeneDx Variant Classification Process June 2021. Collection method: clinical testing. Allele origin: germline. Affected: yes.
Comment: Not observed in large population cohorts (Lek et al., 2016); In silico analysis, which includes protein predictors and evolutionary conservation, supports that this variant does not alter protein structure/function; Has not been previously published as pathogenic or benign to our knowledge